The following is an entry in ClinVar:

NM_052874.5(STX1B):c.623T>A (p.Ile208Asn)

Gene: STX1B (syntaxin 1B; minus strand). Cytogenetic location: 16p11.2.
Variant type: single nucleotide variant.
Coding change: c.623T>A on transcript NM_052874.5 (MANE Select); coding-DNA position 623, T replaced by A.
Protein change: p.Ile208Asn; replaces isoleucine 208 with asparagine.
Molecular consequence: missense variant.
Genome position (GRCh38, 1-based): chr16:30,993,399, A>T on the plus strand (T>A on the coding strand, the complement: STX1B is on the minus strand). VCF-style: chr16-30993399-A-T. GRCh37 (hg19) VCF-style: chr16-31004720-A-T.
Other names: short protein forms I208N.
Identifiers: ClinVar variation 4854957 (VCV004854957.1).

ClinVar aggregate classification (germline): Uncertain significance (1 of 4 stars; one submission).

Conditions:
Generalized epilepsy with febrile seizures plus, type 9 (GEFSP9). Also called: GEFS+, TYPE 9. Identifiers: Orphanet 36387, MedGen C4015395, MONDO:0014517, OMIM 616172.

Submission:

3billion
Classification: Uncertain significance for Generalized epilepsy with febrile seizures plus, type 9. Last evaluated: 2025-08-02. Review status: criteria provided, single submitter. Criteria: ACMG Guidelines, 2015. Collection method: clinical testing. Allele origin: germline. Affected: yes.
Comment: The variant is not observed in the gnomAD v4.1.0 dataset. Predicted Consequence/Location: Missense variant. The majority of the known disease-causing variants of this gene are variants expected to result in premature termination of the protein. In silico tool predictions suggest damaging effect of the variant on gene or gene product [REVEL: 0.68 (>=0.6, sensitivity 0.68 and specificity 0.92); 3Cnet: 0.99 (> 0.75, sensitivity 0.96 and precision 0.92)]. Different missense changes at the same codon have been reported as of uncertain significance (ClinVar ID: VCV002125999. Therefore, this variant is classified as VUS according to the recommendation of ACMG/AMP guideline.